The following is an entry in ClinVar:

NM_000187.4(HGD):c.518T>A (p.Leu173His)

Gene: HGD (homogentisate 1,2-dioxygenase; minus strand). Cytogenetic location: 3q13.33.
Variant type: single nucleotide variant.
Coding change: c.518T>A on transcript NM_000187.4 (MANE Select); coding-DNA position 518, T replaced by A.
Protein change: p.Leu173His; replaces leucine 173 with histidine.
Molecular consequence: missense variant.
Genome position (GRCh38, 1-based): chr3:120,647,004, A>T on the plus strand (T>A on the coding strand, the complement: HGD is on the minus strand). VCF-style: chr3-120647004-A-T. GRCh37 (hg19) VCF-style: chr3-120365851-A-T.
Other names: c.518T>A (NM_000187.3); short protein forms L173H.
Identifiers: ClinVar variation 2174962 (VCV002174962.3), dbSNP rs2472701792, ClinGen allele CA354077004.

ClinVar aggregate classification (germline): Uncertain significance. Review status: criteria provided, multiple submitters, no conflicts (2 of 4 stars). 2 submissions from 2 submitters: Uncertain significance (2). Last evaluated 2025-08-13.

Conditions:
Inborn genetic diseases. Identifiers: MedGen C0950123, MeSH D030342.
Alkaptonuria (AKU). Also called: HOMOGENTISIC ACID OXIDASE DEFICIENCY; Alcaptonuria; Homogentisic acidura; Alkaptonuric ochronosis. Identifiers: Orphanet 56, MedGen C0002066, MONDO:0008753, OMIM 203500.

Allele frequency attached by ClinVar (database versions not stated): gnomAD exomes below 0.00001.
gnomAD v4.1: 3 of 1,614,110 alleles (0.00019%); highest among the groups gnomAD compares: African/African-American, 0.004%; no homozygotes.

Submissions (2):

Ambry Genetics
Classification: Uncertain significance for Inborn genetic diseases. Last evaluated: 2025-08-13. Review status: criteria provided, single submitter. Criteria: Ambry Variant Classification Scheme 2023. Collection method: clinical testing. Allele origin: germline.

Labcorp Genetics (formerly Invitae), Labcorp
Classification: Uncertain significance for Alkaptonuria. Last evaluated: 2025-06-12. Review status: criteria provided, single submitter. Criteria: Invitae Variant Classification Sherloc (09022015). Collection method: clinical testing. Allele origin: germline.
Comment: This sequence change replaces leucine, which is neutral and non-polar, with histidine, which is basic and polar, at codon 173 of the HGD protein (p.Leu173His). This variant is not present in population databases (gnomAD no frequency). This variant has not been reported in the literature in individuals affected with HGD-related conditions. ClinVar contains an entry for this variant (Variation ID: 2174962). Invitae Evidence Modeling of protein sequence and biophysical properties (such as structural, functional, and spatial information, amino acid conservation, physicochemical variation, residue mobility, and thermodynamic stability) indicates that this missense variant is not expected to disrupt HGD protein function with a negative predictive value of 95%. In summary, the available evidence is currently insufficient to determine the role of this variant in disease. Therefore, it has been classified as a Variant of Uncertain Significance.